The following is an entry in ClinVar:

NM_022772.4(EPS8L2):c.80T>C (p.Met27Thr)

Gene: EPS8L2 (EPS8 signaling adaptor L2; plus strand). Cytogenetic location: 11p15.5.
Variant type: single nucleotide variant.
Coding change: c.80T>C on transcript NM_022772.4 (MANE Select); coding-DNA position 80, T replaced by C.
Protein change: p.Met27Thr; replaces methionine 27 with threonine.
Molecular consequence: missense variant.
Genome position (GRCh38, 1-based): chr11:709,588, T>C. VCF-style: chr11-709588-T-C. GRCh37 (hg19) VCF-style: chr11-709588-T-C.
Other names: short protein forms M27T.
Identifiers: ClinVar variation 804774 (VCV000804774.8), dbSNP rs143833069, ClinGen allele CA5787001.

ClinVar aggregate classification (germline): Uncertain significance. Review status: criteria provided, multiple submitters, no conflicts (2 of 4 stars). 5 submissions from 5 submitters: Uncertain significance (5). Last evaluated 2025-01-16.

Conditions:
Hearing loss, autosomal recessive 106. Also called: DEAFNESS, AUTOSOMAL RECESSIVE 106. Identifiers: MedGen C4539954, MONDO:0033198, OMIM 617637.

Allele frequency attached by ClinVar (database versions not stated): ExAC 0.00010; gnomAD exomes 0.00011 and 0.00026; TOPMed 0.00012; gnomAD 0.00017 and 0.00019; ESP Exome Variant Server 0.00038.
gnomAD v4.1: 393 of 1,612,998 alleles (0.024%); highest among the groups gnomAD compares: Non-Finnish European, 0.032%; no homozygotes.

Submissions (5):

Victorian Clinical Genetics Services, Murdoch Childrens Research Institute
Classification: Uncertain significance for Hearing loss, autosomal recessive 106. Last evaluated: 2025-01-16. Review status: criteria provided, single submitter. Criteria: ACMG Guidelines, 2015. Collection method: clinical testing. Allele origin: germline. Affected: yes.
Comment: This variant is classified as VUS-3C. Evidence in support of pathogenic classification: Variant is present in gnomAD <0.01 for a recessive condition (v4: 393 heterozygote(s), 0 homozygote(s)) . Evidence in support of benign classification: Missense variant predicted to be tolerated by in silico tool(s) or not conserved in placental mammals with a minor amino acid change. Additional information: Variant is predicted to result in a missense amino acid change from methionine to threonine; This variant is heterozygous; This gene is associated with autosomal recessive disease; Alternative amino acid change(s) at the same position are present in gnomAD (Highest allele count: v4: 1 heterozygote(s), 0 homozygote(s)) ; Previous evidence of pathogenicity for this variant is inconclusive. This variant has been classified as a VUS by clinical laboratories in ClinVar; No published segregation evidence has been identified for this variant; No published functional evidence has been identified for this variant; No comparable missense variants have previous evidence for pathogenicity; Variant is not located in an established domain, motif, hotspot or informative constraint region; Loss of function is a known mechanism of disease in this gene and is associated with deafness autosomal recessive 106 (MIM#617637); Inheritance information for this variant is not currently available in this individual.

Blueprint Genetics
Classification: Uncertain significance. Last evaluated: 2024-11-11. Review status: criteria provided, single submitter. Criteria: ACMG Guidelines, 2015. Collection method: clinical testing. Allele origin: germline.

Ambry Genetics
Classification: Uncertain significance. Last evaluated: 2024-05-02. Review status: criteria provided, single submitter. Criteria: Ambry Variant Classification Scheme 2023. Collection method: clinical testing. Allele origin: germline.

Labcorp Genetics (formerly Invitae), Labcorp
Classification: Uncertain significance. Last evaluated: 2022-10-04. Review status: criteria provided, single submitter. Criteria: Invitae Variant Classification Sherloc (09022015). Collection method: clinical testing. Allele origin: germline.
Comment: This sequence change replaces methionine, which is neutral and non-polar, with threonine, which is neutral and polar, at codon 27 of the EPS8L2 protein (p.Met27Thr). This variant is present in population databases (rs143833069, gnomAD 0.02%). This variant has not been reported in the literature in individuals affected with EPS8L2-related conditions. ClinVar contains an entry for this variant (Variation ID: 804774). Algorithms developed to predict the effect of missense changes on protein structure and function (SIFT, PolyPhen-2, Align-GVGD) all suggest that this variant is likely to be tolerated. In summary, the available evidence is currently insufficient to determine the role of this variant in disease. Therefore, it has been classified as a Variant of Uncertain Significance.

Athena Diagnostics
Classification: Uncertain significance. Last evaluated: 2019-08-02. Review status: criteria provided, single submitter. Criteria: Athena Diagnostics Criteria. Collection method: clinical testing. Allele origin: germline.